The following is an entry in ClinVar:

ClinVar aggregate classification (germline): Uncertain significance. Review status: criteria provided, multiple submitters, no conflicts (2 of 4 stars). 2 submissions from 2 submitters: Uncertain significance (2). Last evaluated 2025-03-06.

Conditions:
Inborn genetic diseases. Identifiers: MedGen C0950123, MeSH D030342.
Methylmalonic aciduria and homocystinuria type cblF. Also called: VITAMIN B12 LYSOSOMAL RELEASE DEFECT; VITAMIN B12 STORAGE DISEASE; COBALAMIN F DISEASE; COBALAMIN, DEFECT IN LYSOSOMAL RELEASE OF; METHYLMALONIC ACIDEMIA AND HOMOCYSTINURIA, cblF TYPE; METHYLMALONIC ACIDURIA DUE TO VITAMIN B12-RELEASE DEFECT. Identifiers: Orphanet 79284, MedGen C1848578, MONDO:0010183, OMIM 277380.

Allele frequency attached by ClinVar (database versions not stated): ExAC 0.00001; gnomAD 0.00001; gnomAD exomes 0.00001.
gnomAD v4.1: 19 of 1,606,824 alleles (0.0012%); highest among the groups gnomAD compares: Admixed American, 0.0017%; no homozygotes.

Submissions (2):

Ambry Genetics
Classification: Uncertain significance for Inborn genetic diseases. Last evaluated: 2025-03-06. Review status: criteria provided, single submitter. Criteria: Ambry Variant Classification Scheme 2023. Collection method: clinical testing. Allele origin: germline.

Labcorp Genetics (formerly Invitae), Labcorp
Classification: Uncertain significance for Methylmalonic aciduria and homocystinuria type cblF. Last evaluated: 2021-08-27. Review status: criteria provided, single submitter. Criteria: Invitae Variant Classification Sherloc (09022015). Collection method: clinical testing. Allele origin: germline.
Comment: This sequence change replaces serine with cysteine at codon 461 of the LMBRD1 protein (p.Ser461Cys). The serine residue is moderately conserved and there is a moderate physicochemical difference between serine and cysteine. This variant is present in population databases (rs781535724, ExAC 0.002%). This variant has not been reported in the literature in individuals affected with LMBRD1-related conditions. Algorithms developed to predict the effect of missense changes on protein structure and function (SIFT, PolyPhen-2, Align-GVGD) all suggest that this variant is likely to be tolerated. In summary, the available evidence is currently insufficient to determine the role of this variant in disease. Therefore, it has been classified as a Variant of Uncertain Significance.

NM_018368.4(LMBRD1):c.1382C>G (p.Ser461Cys)

Gene: LMBRD1 (LMBR1 domain containing 1; minus strand). Cytogenetic location: 6q13.
Variant type: single nucleotide variant.
Coding change: c.1382C>G on transcript NM_018368.4 (MANE Select); coding-DNA position 1382, C replaced by G.
Protein change: p.Ser461Cys; replaces serine 461 with cysteine.
Molecular consequence: missense variant.
Genome position (GRCh38, 1-based): chr6:69,697,598, G>C on the plus strand (C>G on the coding strand, the complement: LMBRD1 is on the minus strand). VCF-style: chr6-69697598-G-C. GRCh37 (hg19) VCF-style: chr6-70407490-G-C.
Other names: c.1163C>G, p.Ser388Cys (NM_001363722.2, NM_001367271.1, NM_001367272.1); c.1382C>G (NM_018368.3); short protein forms S461C, S388C.
Identifiers: ClinVar variation 1479834 (VCV001479834.6), dbSNP rs781535724, ClinGen allele CA3879585.